The following is an entry in ClinVar:

ClinVar aggregate classification (germline): Uncertain significance. Review status: criteria provided, multiple submitters, no conflicts (2 of 4 stars). 2 submissions from 2 submitters: Uncertain significance (2). Last evaluated 2025-07-29.

Conditions:
PLXNA2-related disorder. Also called: PLXNA2-related condition.

gnomAD v4.1: 42 of 1,612,710 alleles (0.0026%); highest among the groups gnomAD compares: South Asian, 0.025%; no homozygotes.

Submissions (2):

PreventionGenetics, part of Exact Sciences
Classification: Uncertain significance for PLXNA2-related condition. Last evaluated: 2025-07-29. Review status: criteria provided, single submitter. Criteria: ACMG Guidelines, 2015. Collection method: clinical testing. Allele origin: germline.
Comment: The PLXNA2 c.3050C>T variant is predicted to result in the amino acid substitution p.Pro1017Leu. To our knowledge, this variant has not been reported in the literature. This variant is reported in 0.036% of alleles in individuals of South Asian descent in gnomAD. At this time, the clinical significance of this variant is uncertain due to the absence of conclusive functional and genetic evidence.

Labcorp Genetics (formerly Invitae), Labcorp
Classification: Uncertain significance. Last evaluated: 2024-03-21. Review status: criteria provided, single submitter. Criteria: Invitae Variant Classification Sherloc (09022015). Collection method: clinical testing. Allele origin: germline.
Comment: This sequence change replaces proline, which is neutral and non-polar, with leucine, which is neutral and non-polar, at codon 1017 of the PLXNA2 protein (p.Pro1017Leu). This variant is present in population databases (rs140131144, gnomAD 0.04%). This variant has not been reported in the literature in individuals affected with PLXNA2-related conditions. ClinVar contains an entry for this variant (Variation ID: 1428200). Advanced modeling of protein sequence and biophysical properties (such as structural, functional, and spatial information, amino acid conservation, physicochemical variation, residue mobility, and thermodynamic stability) performed at Invitae indicates that this missense variant is not expected to disrupt PLXNA2 protein function with a negative predictive value of 80%. In summary, the available evidence is currently insufficient to determine the role of this variant in disease. Therefore, it has been classified as a Variant of Uncertain Significance.

NM_025179.4(PLXNA2):c.3050C>T (p.Pro1017Leu)

Gene: PLXNA2 (plexin A2; minus strand). Cytogenetic location: 1q32.2.
Variant type: single nucleotide variant.
Coding change: c.3050C>T on transcript NM_025179.4 (MANE Select); coding-DNA position 3050, C replaced by T.
Protein change: p.Pro1017Leu; replaces proline 1017 with leucine.
Molecular consequence: missense variant.
Genome position (GRCh38, 1-based): chr1:208,051,367, G>A on the plus strand (C>T on the coding strand, the complement: PLXNA2 is on the minus strand). VCF-style: chr1-208051367-G-A. GRCh37 (hg19) VCF-style: chr1-208224712-G-A.
Other names: c.3050C>T (NM_025179.3); short protein forms P1017L.
Identifiers: ClinVar variation 1428200 (VCV001428200.8), dbSNP rs140131144, ClinGen allele CA1373299.